The following is an entry in ClinVar:

ClinVar aggregate classification (germline): Uncertain significance (1 of 4 stars; one submission).

Conditions:
PKD1-related disorder. Also called: PKD1-related condition.

Allele frequency attached by ClinVar (database versions not stated): TOPMed below 0.00001.

Submission:

PreventionGenetics, part of Exact Sciences
Classification: Uncertain significance for PKD1-related condition. Last evaluated: 2025-04-10. Review status: criteria provided, single submitter. Criteria: ACMG Guidelines, 2015. Collection method: clinical testing. Allele origin: germline.
Comment: The PKD1 c.12899C>T variant is predicted to result in the amino acid substitution p.Pro4300Leu. To our knowledge, this variant has not been reported in the literature or in a large population database (gnomAD), indicating this variant is rare. At this time, the clinical significance of this variant is uncertain due to the absence of conclusive functional and genetic evidence.

NM_001009944.3(PKD1):c.12899C>T (p.Pro4300Leu)

Gene: PKD1 (polycystin 1, transient receptor potential channel interacting; minus strand). Cytogenetic location: 16p13.3.
Variant type: single nucleotide variant.
Coding change: c.12899C>T on transcript NM_001009944.3 (MANE Select); coding-DNA position 12899, C replaced by T.
Protein change: p.Pro4300Leu; replaces proline 4300 with leucine.
Molecular consequence: missense variant.
Genome position (GRCh38, 1-based): chr16:2,089,740, G>A on the plus strand (C>T on the coding strand, the complement: PKD1 is on the minus strand). VCF-style: chr16-2089740-G-A. GRCh37 (hg19) VCF-style: chr16-2139741-G-A.
Other names: c.12896C>T, p.Pro4299Leu (NM_000296.4); short protein forms P4299L, P4300L.
Identifiers: ClinVar variation 2634127 (VCV002634127.2), dbSNP rs1429123436, ClinGen allele CA394318796.